The following is an entry in ClinVar:

ClinVar aggregate classification (germline): Benign/Likely benign. Review status: criteria provided, multiple submitters, no conflicts (2 of 4 stars). 2 submissions from 2 submitters: Benign (1); Likely benign (1). Last evaluated 2026-01-17.

Conditions:
Glycogen storage disease, type VII (GSD7). Also called: MUSCLE PHOSPHOFRUCTOKINASE DEFICIENCY; PFKM DEFICIENCY; TARUI DISEASE; GSD VII. Identifiers: Orphanet 371, MedGen C0017926, MONDO:0009295, OMIM 232800.

Allele frequency attached by ClinVar (database versions not stated): ESP Exome Variant Server 0.00008; gnomAD exomes 0.00011 and 0.00028; gnomAD 0.00017 and 0.00018; TOPMed 0.00019; ExAC 0.00021.
gnomAD v4.1: 203 of 1,605,040 alleles (0.013%); highest among the groups gnomAD compares: Non-Finnish European, 0.0024%; 3 homozygotes.

Submissions (4):

Labcorp Genetics (formerly Invitae), Labcorp
Classification: Benign for Glycogen storage disease, type VII. Last evaluated: 2026-01-17. Review status: criteria provided, single submitter. Criteria: Invitae Variant Classification Sherloc (09022015). Collection method: clinical testing. Allele origin: germline.

GeneDx
Classification: Likely benign. Last evaluated: 2018-02-21. Review status: criteria provided, single submitter. Criteria: GeneDx Variant Classification (06012015). Collection method: clinical testing. Allele origin: germline. Affected: yes.
Comment: This variant is considered likely benign or benign based on one or more of the following criteria: it is a conservative change, it occurs at a poorly conserved position in the protein, it is predicted to be benign by multiple in silico algorithms, and/or has population frequency not consistent with disease.

Dr. Peter K. Rogan Lab, Western University
No classification provided (evidence only). Condition: Nonpapillary renal cell carcinoma. Review status: no classification provided. Collection method: in vitro. Allele origin: not applicable. Functional consequence: skipped exon, retained intron. Not counted in ClinVar's aggregate classification.

Dr. Peter K. Rogan Lab, Western University
No classification provided (evidence only). Condition: Ovarian serous cystadenocarcinoma. Review status: no classification provided. Collection method: in vitro. Allele origin: not applicable. Functional consequence: retained intron. Not counted in ClinVar's aggregate classification.

NM_000289.6(PFKM):c.844-17T>A

Gene: PFKM (phosphofructokinase, muscle; plus strand). Cytogenetic location: 12q13.11.
Variant type: single nucleotide variant.
Coding change: c.844-17T>A on transcript NM_000289.6 (MANE Select); 17 bases into the intron before coding-DNA position 844, T replaced by A.
Molecular consequence: intron variant. On other transcripts: non-coding transcript variant (4).
Genome position (GRCh38, 1-based): chr12:48,135,274, T>A. VCF-style: chr12-48135274-T-A. GRCh37 (hg19) VCF-style: chr12-48529057-T-A.
Other names: c.868-17T>A (NM_001354741.2); c.844-17T>A (NM_001354742.2, NM_001354743.2, NM_001354744.2 and 3 more transcripts); c.694-17T>A (NM_001354747.2, NM_001354748.2); c.1057-17T>A (NM_001166686.2, NM_001354737.1, NM_001354739.1 and 1 more transcripts); c.1153-17T>A (NM_001354736.1, NM_001354735.1); c.988-17T>A (NM_001354740.1); c.757-17T>A (NM_001354745.2); c.843+236T>A (NM_001363619.2).
Identifiers: ClinVar variation 515206 (VCV000515206.9), dbSNP rs372870462, ClinGen allele CA6537130.